The following is an entry in ClinVar:

ClinVar aggregate classification (germline): Uncertain significance (1 of 4 stars; one submission).

Conditions:
LRRK2-related disorder. Also called: LRRK2-related condition.

gnomAD v4.1: 1 of 1,613,832 alleles (0.000062%); no homozygotes.

Submission:

PreventionGenetics, part of Exact Sciences
Classification: Uncertain significance for LRRK2-related condition. Last evaluated: 2024-10-11. Review status: criteria provided, single submitter. Criteria: ACMG Guidelines, 2015. Collection method: clinical testing. Allele origin: germline.
Comment: The LRRK2 c.3199C>T variant is predicted to result in premature protein termination (p.Arg1067*). To our knowledge, this variant has not been reported in the literature. This variant is reported in 0.0018% of alleles in individuals of European (Non-Finnish) descent in gnomAD. At this time, the clinical significance of this variant is uncertain due to the absence of conclusive functional and genetic evidence.

NM_198578.4(LRRK2):c.3199C>T (p.Arg1067Ter)

Gene: LRRK2 (leucine rich repeat kinase 2; plus strand). Cytogenetic location: 12q12.
Variant type: single nucleotide variant.
Coding change: c.3199C>T on transcript NM_198578.4 (MANE Select); coding-DNA position 3199, C replaced by T.
Protein change: p.Arg1067Ter; replaces arginine 1067 with a stop codon.
Molecular consequence: nonsense.
Genome position (GRCh38, 1-based): chr12:40,298,345, C>T. VCF-style: chr12-40298345-C-T. GRCh37 (hg19) VCF-style: chr12-40692147-C-T.
Other names: short protein forms R1067*.
Identifiers: ClinVar variation 5002607 (VCV005002607.1).